The following is an entry in ClinVar:

ClinVar aggregate classification (germline): Pathogenic (1 of 4 stars; one submission).

Submission:

Labcorp Genetics (formerly Invitae), Labcorp
Classification: Pathogenic. Last evaluated: 2022-05-04. Review status: criteria provided, single submitter. Criteria: Invitae Variant Classification Sherloc (09022015). Collection method: clinical testing. Allele origin: germline.
Comment: This sequence change creates a premature translational stop signal (p.Ala1384Argfs*4) in the COL4A4 gene. It is expected to result in an absent or disrupted protein product. Loss-of-function variants in COL4A4 are known to be pathogenic (PMID: 21196518, 24854265, 25307543). This variant is not present in population databases (gnomAD no frequency). For these reasons, this variant has been classified as Pathogenic. This variant has not been reported in the literature in individuals affected with COL4A4-related conditions.

Literature cited by the submitters: PubMed 21196518; PubMed 24854265; PubMed 25307543.

NM_000092.5(COL4A4):c.4150del (p.Ala1384fs)

Gene: COL4A4 (collagen type IV alpha 4 chain; minus strand). Cytogenetic location: 2q36.3.
Variant type: Deletion.
Coding change: c.4150del on transcript NM_000092.5 (MANE Select); coding-DNA position 4150, one base deleted (G; older notation c.4150delG).
Protein change: p.Ala1384fs; shifts the reading frame from alanine 1384.
Molecular consequence: frameshift variant.
Genome position (GRCh38, 1-based): chr2:227,022,114, C deleted on the plus strand (G on the coding strand, the reverse complement: COL4A4 is on the minus strand); the first of 4 consecutive C bases (chr2:227,022,114-227,022,117); deleting any one gives the same sequence. VCF-style (leftmost placement, unchanged base first): chr2-227022113-GC-G. GRCh37 (hg19) VCF-style: chr2-227886829-GC-G.
Other names: short protein forms A1384fs.
Identifiers: ClinVar variation 2133372 (VCV002133372.4), dbSNP rs2473007820, ClinGen allele CA2580065820.